The following is an entry in ClinVar:

ClinVar aggregate classification (germline): Likely benign (1 of 4 stars; one submission).

Allele frequency attached by ClinVar (database versions not stated): gnomAD 0.00033; gnomAD exomes 0.00041; TOPMed 0.00041; ExAC 0.00043.
gnomAD v4.1: 153 of 384,477 alleles (0.04%); highest among the groups gnomAD compares: Middle Eastern, 0.17%; no homozygotes.

Submission:

CeGaT Center for Human Genetics Tuebingen
Classification: Likely benign. Last evaluated: 2022-07-01. Review status: criteria provided, single submitter. Criteria: CeGaT Center For Human Genetics Tuebingen Variant Classification Criteria Version 2. Collection method: clinical testing. Allele origin: germline. Affected: yes. Observed: 1 variant allele.
Comment: SUPT20HL2: BP4, BP7

NM_001136233.3(SUPT20HL2):c.501A>G (p.Leu167=)

Gene: SUPT20HL2 (SUPT20H like 2; minus strand). Cytogenetic location: Xp22.11.
Variant type: single nucleotide variant.
Coding change: c.501A>G on transcript NM_001136233.3 (MANE Select); coding-DNA position 501, A replaced by G.
Protein change: p.Leu167=; no amino-acid change (leucine 167 retained).
Molecular consequence: synonymous variant.
Genome position (GRCh38, 1-based): chrX:24,312,815, T>C on the plus strand (A>G on the coding strand, the complement: SUPT20HL2 is on the minus strand). VCF-style: chrX-24312815-T-C. GRCh37 (hg19) VCF-style: chrX-24330932-T-C.
Identifiers: ClinVar variation 2660186 (VCV002660186.24), dbSNP rs745419120, ClinGen allele CA10371567.